The following is an entry in ClinVar:

ClinVar aggregate classification (germline): Benign. Review status: criteria provided, multiple submitters, no conflicts (2 of 4 stars). 3 submissions from 3 submitters: Benign (2). 1 of the submissions does not count toward it. Last evaluated 2025-12-15.

Conditions:
TAOK2-related disorder. Also called: TAOK2-related condition.

Allele frequency attached by ClinVar (database versions not stated): gnomAD exomes 0.00054; ExAC 0.00061; ESP Exome Variant Server 0.00085; gnomAD 0.00099 and 0.00105; TOPMed 0.00109; 1000 Genomes Project 30x 0.00125; 1000 Genomes Project 0.00140.
gnomAD v4.1: 480 of 1,613,766 alleles (0.03%); highest among the groups gnomAD compares: African/African-American, 0.29%; 1 homozygote.

Submissions (3):

Labcorp Genetics (formerly Invitae), Labcorp
Classification: Benign. Last evaluated: 2025-12-15. Review status: criteria provided, single submitter. Criteria: Invitae Variant Classification Sherloc (09022015). Collection method: clinical testing. Allele origin: germline.

Breakthrough Genomics
Classification: Benign. Review status: criteria provided, single submitter. Criteria: ACMG Guidelines, 2015. Collection method: not provided. Allele origin: germline. Inheritance: Unknown mechanism. Affected: yes.

PreventionGenetics, part of Exact Sciences
Classification: Likely benign for TAOK2-related condition. Last evaluated: 2019-02-22. Review status: no assertion criteria provided. Collection method: clinical testing. Allele origin: germline. Not counted in ClinVar's aggregate classification.
Comment: This variant is classified as likely benign based on ACMG/AMP sequence variant interpretation guidelines (Richards et al. 2015 PMID: 25741868, with internal and published modifications).

NM_016151.4(TAOK2):c.1131C>T (p.Asn377=)

Gene: TAOK2 (TAO kinase 2; plus strand). Cytogenetic location: 16p11.2.
Variant type: single nucleotide variant.
Coding change: c.1131C>T on transcript NM_016151.4 (MANE Select); coding-DNA position 1131, C replaced by T.
Protein change: p.Asn377=; no amino-acid change (asparagine 377 retained).
Molecular consequence: synonymous variant.
Genome position (GRCh38, 1-based): chr16:29,983,203, C>T. VCF-style: chr16-29983203-C-T. GRCh37 (hg19) VCF-style: chr16-29994524-C-T.
Other names: c.1131C>T (NM_016151.3); c.1131C>T, p.Asn377= (NM_001252043.2, NM_004783.4).
Identifiers: ClinVar variation 1166701 (VCV001166701.12), dbSNP rs61738514, ClinGen allele CA7998047.